The following is an entry in ClinVar:

NM_000540.3(RYR1):c.10627-12C>T

Gene: RYR1 (ryanodine receptor 1; plus strand). Cytogenetic location: 19q13.2.
Variant type: single nucleotide variant.
Coding change: c.10627-12C>T on transcript NM_000540.3 (MANE Select); 12 bases into the intron before coding-DNA position 10627, C replaced by T.
Molecular consequence: intron variant.
Genome position (GRCh38, 1-based): chr19:38,526,981, C>T. VCF-style: chr19-38526981-C-T. GRCh37 (hg19) VCF-style: chr19-39017621-C-T.
Other names: c.10612-12C>T (NM_001042723.2).
Identifiers: ClinVar variation 3073158 (VCV003073158.1), dbSNP rs2514485235, ClinGen allele CA507236782.
Genomic context (GRCh38, chr19:38,526,981, plus strand): 5'-GAAGGAAAGGGTTGTGGGTCAGGAAGGAGGATGGGACCTCCAGAGTGACCCAGCCTGGCT[C>T]TGTCTCCCCAGAAAGACACAGATGAGGAGGTCCGGGAATTTCTGCACAACAACCTTCACC-3'

ClinVar aggregate classification (germline): Likely benign (1 of 4 stars; one submission).

Conditions:
Malignant hyperthermia, susceptibility to, 1 (MHS1). Also called: Anesthesia related hyperthermia; Malignant hyperpyrexia; Fulminating hyperpyrexia; Pharmacogenic myopathy; RYR1-Related Malignant Hyperthermia Susceptibility; Malignant hyperthermia suceptibility 1. Identifiers: Orphanet 423, MedGen C2930980, MONDO:0007783, OMIM 145600.

Submission:

All of Us Research Program, National Institutes of Health
Classification: Likely benign for Malignant hyperthermia, susceptibility to, 1. Last evaluated: 2023-08-23. Review status: criteria provided, single submitter. Criteria: ACMG Guidelines, 2015. Collection method: clinical testing. Allele origin: germline. Inheritance: Autosomal dominant inheritance. Observed: 1 variant allele, 1 heterozygote.
Comment: This study involves interpretation of variants in research participants for the purpose of population health screening. Participant phenotype was not available at the time of variant classification. Additional details can be found in publication PMID: 35346344, PMCID: PMC8962531